The following is an entry in ClinVar:

ClinVar aggregate classification (germline): Conflicting classifications of pathogenicity. Review status: criteria provided, conflicting classifications (1 of 4 stars). 3 submissions from 3 submitters: Uncertain significance (2); Likely benign (1). Last evaluated 2026-01-27.

Conditions:
Hemolytic anemia due to adenylate kinase deficiency (CNSHA3). Also called: ANEMIA, CONGENITAL, NONSPHEROCYTIC HEMOLYTIC, 3. Identifiers: Orphanet 86817, MedGen C2675459, MONDO:0012967, OMIM 612631.

gnomAD v4.1: 191 of 1,614,142 alleles (0.012%); highest among the groups gnomAD compares: African/African-American, 0.21%; no homozygotes.

Submissions (3):

Labcorp Genetics (formerly Invitae), Labcorp
Classification: Likely benign. Last evaluated: 2026-01-27. Review status: criteria provided, single submitter. Criteria: Invitae Variant Classification Sherloc (09022015). Collection method: clinical testing. Allele origin: germline.

ARUP Laboratories, Molecular Genetics and Genomics, ARUP Laboratories
Classification: Uncertain significance for Hemolytic anemia due to adenylate kinase deficiency. Last evaluated: 2025-07-25. Review status: criteria provided, single submitter. Criteria: ARUP Molecular Germline Variant Investigation Process 2024. Collection method: clinical testing. Allele origin: germline.
Comment: The AK1 c.248A>G; p.Lys83Arg variant (rs144171533), to our knowledge, is not reported in the medical literature or gene specific databases. This variant is found predominantly in the African/African-American population with an allele frequency of 0.2% (55/24966 alleles) in the Genome Aggregation Database (v2.1.1). Computational analyses are uncertain whether this variant is neutral or deleterious (REVEL: 0.198). Due to limited information, the clinical significance of this variant is uncertain at this time.

Mayo Clinic Laboratories, Mayo Clinic
Classification: Uncertain significance. Last evaluated: 2025-05-16. Review status: criteria provided, single submitter. Criteria: ACMG Guidelines, 2015. Collection method: clinical testing. Allele origin: germline. Observed: 2 variant alleles.
Comment: BP4, PM2_supporting

NM_000476.3(AK1):c.248A>G (p.Lys83Arg)

Genes: AK1 (adenylate kinase 1; minus strand), ST6GALNAC4-ST6GALNAC6-AK1 (ST6GALNAC4-ST6GALNAC6-AK1 readthrough; minus strand). Cytogenetic location: 9q34.11.
Variant type: single nucleotide variant.
Coding change: c.248A>G on transcript NM_000476.3 (MANE Select); coding-DNA position 248, A replaced by G.
Protein change: p.Lys83Arg; replaces lysine 83 with arginine.
Molecular consequence: missense variant. On other transcripts: non-coding transcript variant (8).
Genome position (GRCh38, 1-based): chr9:127,871,899, T>C on the plus strand (A>G on the coding strand, the complement: AK1 is on the minus strand). VCF-style: chr9-127871899-T-C. GRCh37 (hg19) VCF-style: chr9-130634178-T-C.
Other names: p.Lys83Arg; c.248A>G, p.Lys83Arg (NM_001318121.1); c.296A>G, p.Lys99Arg (NM_001318122.2); short protein forms K83R, K99R.
Identifiers: ClinVar variation 4541480 (VCV004541480.3).
Genomic context (GRCh38, chr9:127,871,899, plus strand): 5'-TCTCCTTGCTGCACCTCCCGCGGGTAGCCATCAATCAGGAAGCCTTTGGAAGTATTGACT[T>C]TGGCCACCATGGCATCCCGGAGCATGTCCAACACTGTCTCCTGGGGCACAGCAAAGGAGG-3'
Protein context (NP_000467.1, residues 73-93): LDMLRDAMVA[Lys83Arg]VNTSKGFLID